The following is an entry in ClinVar:

NM_001005361.3(DNM2):c.1178A>C (p.Lys393Thr)

Gene: DNM2 (dynamin 2; plus strand). Cytogenetic location: 19p13.2.
Variant type: single nucleotide variant.
Coding change: c.1178A>C on transcript NM_001005361.3 (MANE Select); coding-DNA position 1178, A replaced by C.
Protein change: p.Lys393Thr; replaces lysine 393 with threonine.
Molecular consequence: missense variant.
Genome position (GRCh38, 1-based): chr19:10,795,421, A>C. VCF-style: chr19-10795421-A-C. GRCh37 (hg19) VCF-style: chr19-10906097-A-C.
Other names: c.1178A>C, p.Lys393Thr (NM_001005360.3, NM_001005362.3, NM_001190716.2 and 1 more transcripts); short protein forms K393T.
Identifiers: ClinVar variation 1005713 (VCV001005713.8), dbSNP rs2071897365, ClinGen allele CA404048440.

ClinVar aggregate classification (germline): Uncertain significance (1 of 4 stars; one submission).

Conditions:
Charcot-Marie-Tooth disease dominant intermediate B (CMTDIB). Also called: Charcot-Marie-Tooth disease dominant intermediate 1; CMT DI1; Charcot-Marie-Tooth disease dominant intermediate I; CHARCOT-MARIE-TOOTH NEUROPATHY, DOMINANT INTERMEDIATE B. Identifiers: Orphanet 100044, Orphanet 228179, MedGen C1847902, MONDO:0011674, OMIM 606482.

Submission:

Labcorp Genetics (formerly Invitae), Labcorp
Classification: Uncertain significance for Charcot-Marie-Tooth disease dominant intermediate B. Last evaluated: 2021-02-18. Review status: criteria provided, single submitter. Criteria: Invitae Variant Classification Sherloc (09022015). Collection method: clinical testing. Allele origin: germline.
Comment: This variant is not present in population databases (ExAC no frequency). This sequence change replaces lysine with threonine at codon 393 of the DNM2 protein (p.Lys393Thr). The lysine residue is moderately conserved and there is a moderate physicochemical difference between lysine and threonine. This variant has not been reported in the literature in individuals with DNM2-related conditions. In summary, the available evidence is currently insufficient to determine the role of this variant in disease. Therefore, it has been classified as a Variant of Uncertain Significance. Algorithms developed to predict the effect of missense changes on protein structure and function are either unavailable or do not agree on the potential impact of this missense change (SIFT: "Tolerated"; PolyPhen-2: "Probably Damaging"; Align-GVGD: "Class C0").